The following is an entry in ClinVar:

NM_000400.4(ERCC2):c.2046+1G>C

Gene: ERCC2 (ERCC excision repair 2, TFIIH core complex helicase subunit; minus strand). Cytogenetic location: 19q13.32.
Variant type: single nucleotide variant.
Coding change: c.2046+1G>C on transcript NM_000400.4 (MANE Select); the canonical splice donor site of the intron after coding-DNA position 2046, G replaced by C.
Molecular consequence: splice donor variant.
Genome position (GRCh38, 1-based): chr19:45,352,505, C>G on the plus strand (G>C on the coding strand, the complement: ERCC2 is on the minus strand). VCF-style: chr19-45352505-C-G. GRCh37 (hg19) VCF-style: chr19-45855763-C-G.
Identifiers: ClinVar variation 1516409 (VCV001516409.6), dbSNP rs774768228, ClinGen allele CA9512930.

ClinVar aggregate classification (germline): Likely pathogenic (1 of 4 stars; one submission).

Allele frequency attached by ClinVar (database versions not stated): gnomAD exomes below 0.00001; ExAC 0.00001.
gnomAD v4.1: 1 of 1,614,152 alleles (0.000062%); highest among the groups gnomAD compares: Admixed American, 0.0017%; no homozygotes.

Submission:

Labcorp Genetics (formerly Invitae), Labcorp
Classification: Likely pathogenic. Last evaluated: 2024-10-28. Review status: criteria provided, single submitter. Criteria: Invitae Variant Classification Sherloc (09022015). Collection method: clinical testing. Allele origin: germline.
Comment: This sequence change affects a donor splice site in intron 21 of the ERCC2 gene. It is expected to disrupt RNA splicing. Variants that disrupt the donor or acceptor splice site typically lead to a loss of protein function (PMID: 16199547), and loss-of-function variants in ERCC2 are known to be pathogenic (PMID: 9238033, 11335038, 19085937, 19934020). This variant is present in population databases (rs774768228, gnomAD 0.003%). This variant has not been reported in the literature in individuals affected with ERCC2-related conditions. ClinVar contains an entry for this variant (Variation ID: 1516409). Algorithms developed to predict the effect of sequence changes on RNA splicing suggest that this variant may disrupt the consensus splice site. In summary, the currently available evidence indicates that the variant is pathogenic, but additional data are needed to prove that conclusively. Therefore, this variant has been classified as Likely Pathogenic.

Literature cited by the submitters: PubMed 16199547; PubMed 9238033; PubMed 11335038; PubMed 19085937; PubMed 19934020.